The following is an entry in ClinVar:

ClinVar aggregate classification (germline): Likely benign (0 of 4 stars; one submission).

Conditions:
ALMS1-related disorder. Also called: ALMS1-related condition.

Submission:

PreventionGenetics, part of Exact Sciences
Classification: Likely benign for ALMS1-related condition. Last evaluated: 2024-03-25. Review status: no assertion criteria provided. Collection method: clinical testing. Allele origin: germline.
Comment: This variant is classified as likely benign based on ACMG/AMP sequence variant interpretation guidelines (Richards et al. 2015 PMID: 25741868, with internal and published modifications).

NM_001378454.1(ALMS1):c.11022G>A (p.Gln3674=)

Gene: ALMS1 (ALMS1 centrosome and basal body associated protein; plus strand). Cytogenetic location: 2p13.1.
Variant type: single nucleotide variant.
Coding change: c.11022G>A on transcript NM_001378454.1 (MANE Select); coding-DNA position 11022, G replaced by A.
Protein change: p.Gln3674=; no amino-acid change (glutamine 3674 retained).
Molecular consequence: synonymous variant.
Genome position (GRCh38, 1-based): chr2:73,572,899, G>A. VCF-style: chr2-73572899-G-A. GRCh37 (hg19) VCF-style: chr2-73800026-G-A.
Other names: c.11025G>A, p.Gln3675= (NM_015120.4).
Identifiers: ClinVar variation 3358377 (VCV003358377.1).